The following is an entry in ClinVar:

NM_001267550.2(TTN):c.5289T>G (p.Asp1763Glu)

Gene: TTN (titin; minus strand). Cytogenetic location: 2q31.2.
Variant type: single nucleotide variant.
Coding change: c.5289T>G on transcript NM_001267550.2 (MANE Select); coding-DNA position 5289, T replaced by G.
Protein change: p.Asp1763Glu; replaces aspartic acid 1763 with glutamic acid.
Molecular consequence: missense variant.
Genome position (GRCh38, 1-based): chr2:178,776,575, A>C on the plus strand (T>G on the coding strand, the complement: TTN is on the minus strand). VCF-style: chr2-178776575-A-C. GRCh37 (hg19) VCF-style: chr2-179641302-A-C.
Other names: c.5289T>G (NM_001267550.1); c.5289T>G, p.Asp1763Glu (NM_001256850.1, NM_133378.4, NM_133379.5); c.5151T>G, p.Asp1717Glu (NM_003319.4, NM_133432.3, NM_133437.4); short protein forms D1717E, D1763E.
Identifiers: ClinVar variation 1304656 (VCV001304656.5), dbSNP rs1325498080, ClinGen allele CA349453878.

ClinVar aggregate classification (germline): Uncertain significance. Review status: criteria provided, multiple submitters, no conflicts (2 of 4 stars). 3 submissions from 3 submitters: Uncertain significance (3). Last evaluated 2024-08-22.

Allele frequency attached by ClinVar (database versions not stated): gnomAD exomes 0.00001.
gnomAD v4.1: 4 of 1,613,666 alleles (0.00025%); highest among the groups gnomAD compares: Admixed American, 0.0067%; no homozygotes.

Submissions (3):

Athena Diagnostics
Classification: Uncertain significance. Last evaluated: 2024-08-22. Review status: criteria provided, single submitter. Criteria: Athena Diagnostics Criteria. Collection method: clinical testing. Allele origin: unknown.
Comment: Available data are insufficient to determine the clinical significance of the variant at this time. The frequency of this variant in the general population is uninformative in assessment of its pathogenicity. Polyphen and MutationTaster yielded discordant predictions regarding whether this amino acid change is damaging to the protein.

Revvity Omics, Revvity
Classification: Uncertain significance. Last evaluated: 2023-08-02. Review status: criteria provided, single submitter. Criteria: ACMG Guidelines, 2015. Collection method: clinical testing. Allele origin: germline.

GeneDx
Classification: Uncertain significance. Last evaluated: 2019-08-14. Review status: criteria provided, single submitter. Criteria: GeneDx Variant Classification Process June 2021. Collection method: clinical testing. Allele origin: germline. Affected: yes.
Comment: Not observed at a significant frequency in large population cohorts (Lek et al., 2016); Missense variant in a gene in which most reported pathogenic variants are truncating/loss-of-function; Has not been previously published as pathogenic or benign to our knowledge